The following is an entry in ClinVar:

NM_001846.4(COL4A2):c.2004C>T (p.Ala668=)

Gene: COL4A2 (collagen type IV alpha 2 chain; plus strand). Cytogenetic location: 13q34.
Variant type: single nucleotide variant.
Coding change: c.2004C>T on transcript NM_001846.4 (MANE Select); coding-DNA position 2004, C replaced by T.
Protein change: p.Ala668=; no amino-acid change (alanine 668 retained).
Molecular consequence: synonymous variant.
Genome position (GRCh38, 1-based): chr13:110,466,028, C>T. VCF-style: chr13-110466028-C-T. GRCh37 (hg19) VCF-style: chr13-111118375-C-T.
Identifiers: ClinVar variation 311141 (VCV000311141.17), dbSNP rs148709279, ClinGen allele CA7049784.

ClinVar aggregate classification (germline): Benign/Likely benign. Review status: criteria provided, multiple submitters, no conflicts (2 of 4 stars). 4 submissions from 4 submitters: Benign (2); Likely benign (1). 1 of the submissions does not count toward it. Last evaluated 2025-09-02.

Conditions:
Brain small vessel disease 2A, autosomal dominant. Also called: Porencephaly 2. Identifiers: Orphanet 2940, Orphanet 99810, MedGen C3280970, MONDO:0013773, OMIM 614483.
COL4A2-related disorder. Also called: COL4A2-related disorders; COL4A2-related condition.

Allele frequency attached by ClinVar (database versions not stated): gnomAD exomes 0.00009 and 0.00026; ExAC 0.00025; ESP Exome Variant Server 0.00073; gnomAD 0.00084 and 0.00091; TOPMed 0.00086; 1000 Genomes Project 0.00100; 1000 Genomes Project 30x 0.00109.
gnomAD v4.1: 260 of 1,613,748 alleles (0.016%); highest among the groups gnomAD compares: African/African-American, 0.27%; no homozygotes.

Submissions (4):

Labcorp Genetics (formerly Invitae), Labcorp
Classification: Benign. Last evaluated: 2025-09-02. Review status: criteria provided, single submitter. Criteria: Invitae Variant Classification Sherloc (09022015). Collection method: clinical testing. Allele origin: germline.

Blueprint Genetics
Classification: Likely benign. Last evaluated: 2024-07-01. Review status: criteria provided, single submitter. Criteria: ACMG Guidelines, 2015. Collection method: clinical testing. Allele origin: germline.

Illumina Laboratory Services, Illumina
Classification: Benign for Brain small vessel disease 2A, autosomal dominant. Last evaluated: 2018-01-13. Review status: criteria provided, single submitter. Criteria: ICSL Variant Classification Criteria 13 December 2019. Collection method: clinical testing. Allele origin: germline.
Comment: This variant was observed in the ICSL laboratory as part of a predisposition screen in an ostensibly healthy population. It had not been previously curated by ICSL or reported in the Human Gene Mutation Database (HGMD: prior to June 1st, 2018), and was therefore a candidate for classification through an automated scoring system. Utilizing variant allele frequency, disease prevalence and penetrance estimates, and inheritance mode, an automated score was calculated to assess if this variant is too frequent to cause the disease. Based on the score and internal cut-off values, a variant classified as benign is not then subjected to further curation. The score for this variant resulted in a classification of benign for this disease.

PreventionGenetics, part of Exact Sciences
Classification: Likely benign for COL4A2-related condition. Last evaluated: 2021-12-01. Review status: no assertion criteria provided. Collection method: clinical testing. Allele origin: germline. Not counted in ClinVar's aggregate classification.
Comment: This variant is classified as likely benign based on ACMG/AMP sequence variant interpretation guidelines (Richards et al. 2015 PMID: 25741868, with internal and published modifications).